The following is an entry in ClinVar:

ClinVar aggregate classification (germline): Uncertain significance (1 of 4 stars; one submission).

Conditions:
Spondyloenchondrodysplasia with immune dysregulation (SPENCDI). Also called: SPONDYLOENCHONDRODYSPLASIA WITH OR WITHOUT IMMUNE DYSREGULATION; ROIFMAN IMMUNOSKELETAL SYNDROME; COMBINED IMMUNODEFICIENCY WITH AUTOIMMUNITY AND SPONDYLOMETAPHYSEAL DYSPLASIA. Identifiers: Orphanet 1855, MedGen C1842763, MONDO:0011939, OMIM 607944.

Submission:

Labcorp Genetics (formerly Invitae), Labcorp
Classification: Uncertain significance for Spondyloenchondrodysplasia with immune dysregulation. Last evaluated: 2018-07-02. Review status: criteria provided, single submitter. Criteria: Invitae Variant Classification Sherloc (09022015). Collection method: clinical testing. Allele origin: germline.
Comment: In summary, the available evidence is currently insufficient to determine the role of this variant in disease. Therefore, it has been classified as a Variant of Uncertain Significance. Algorithms developed to predict the effect of missense changes on protein structure and function output the following: SIFT: "Tolerated"; PolyPhen-2: "Benign"; Align-GVGD: "Class C0". The lysine amino acid residue is found in multiple mammalian species, suggesting that this missense change does not adversely affect protein function. These predictions have not been confirmed by published functional studies and their clinical significance is uncertain. This variant has not been reported in the literature in individuals with ACP5-related disease. This variant is not present in population databases (ExAC no frequency). This sequence change replaces arginine with lysine at codon 196 of the ACP5 protein (p.Arg196Lys). The arginine residue is weakly conserved and there is a small physicochemical difference between arginine and lysine.

NM_001611.5(ACP5):c.587G>A (p.Arg196Lys)

Gene: ACP5 (acid phosphatase 5, tartrate resistant; minus strand). Cytogenetic location: 19p13.2.
Variant type: single nucleotide variant.
Coding change: c.587G>A on transcript NM_001611.5 (MANE Select); coding-DNA position 587, G replaced by A.
Protein change: p.Arg196Lys; replaces arginine 196 with lysine.
Molecular consequence: missense variant.
Genome position (GRCh38, 1-based): chr19:11,576,391, C>T on the plus strand (G>A on the coding strand, the complement: ACP5 is on the minus strand). VCF-style: chr19-11576391-C-T. GRCh37 (hg19) VCF-style: chr19-11687206-C-T.
Other names: c.587G>A, p.Arg196Lys (LRG_1218t1, NM_001111034.3, NM_001111035.3 and 2 more transcripts); short protein forms R196K.
Identifiers: ClinVar variation 638974 (VCV000638974.7), dbSNP rs1599634603, ClinGen allele CA404146574.
Genomic context (GRCh38, chr19:11,576,391, plus strand): 5'-GGCCCGTGCTCGGCTATGGACCACACGGGGTAGTGGCCAGCCACCAGCACGTAGTCCTCC[C>T]TGGCCGCCGCCAGCTGTTTCTTGAGCCAGGACAGCTGTGTGCGGGCCAGCTTCACGTCTC-3'
Protein context (NP_001602.1, residues 186-206): SWLKKQLAAA[Arg196Lys]EDYVLVAGHY